The following is an entry in ClinVar:

NM_001009944.3(PKD1):c.9019T>C (p.Ser3007Pro)

Gene: PKD1 (polycystin 1, transient receptor potential channel interacting; minus strand). Cytogenetic location: 16p13.3.
Variant type: single nucleotide variant.
Coding change: c.9019T>C on transcript NM_001009944.3 (MANE Select); coding-DNA position 9019, T replaced by C.
Protein change: p.Ser3007Pro; replaces serine 3007 with proline.
Molecular consequence: missense variant.
Genome position (GRCh38, 1-based): chr16:2,102,563, A>G on the plus strand (T>C on the coding strand, the complement: PKD1 is on the minus strand). VCF-style: chr16-2102563-A-G. GRCh37 (hg19) VCF-style: chr16-2152564-A-G.
Other names: c.9019T>C, p.Ser3007Pro (NM_000296.4); short protein forms S3007P.
Identifiers: ClinVar variation 3912041 (VCV003912041.4).
Genomic context (GRCh38, chr16:2,102,563, plus strand): 5'-TCCGCCACACCATGTCCTCCTCGCTGAAGTACTGGCACAGGGACGTGTACAGGCCCACGG[A>G]CACCTGCAGCGCCGACCAGCGGAAGTGGCTGGAGAGGTTCAGATGGTAACTCCCCGCTGG-3'
Protein context (NP_001009944.3, residues 2997-3017): SHFRWSALQV[Ser3007Pro]VGLYTSLCQY

ClinVar aggregate classification (germline): Uncertain significance. Review status: criteria provided, multiple submitters, no conflicts (2 of 4 stars). 3 submissions from 3 submitters: Uncertain significance (3). Last evaluated 2026-09-18.

Conditions:
PKD1-related disorder. Also called: PKD1-related condition.

Submissions (3):

PreventionGenetics, part of Exact Sciences
Classification: Uncertain significance for PKD1-related condition. Last evaluated: 2026-09-18. Review status: criteria provided, single submitter. Criteria: ACMG Guidelines, 2015. Collection method: clinical testing. Allele origin: germline.
Comment: The PKD1 c.9019T>C variant is predicted to result in the amino acid substitution p.Ser3007Pro. This variant was reported in two individuals with autosomal dominant polycystic kidney disease (ADPKD) (Rossetti et al. 2007. PubMed ID: 17582161). In addition, this variant was also found in two presumably unrelated individuals with PKD at PreventionGenetics (internal data). This variant has not been reported in a large population database (gnomAD), indicating this variant is rare. Although we suspect that this variant may be pathogenic, at this time, the clinical significance of this variant is uncertain due to the absence of conclusive functional and genetic evidence.

Women's Health and Genetics/Laboratory Corporation of America, LabCorp
Classification: Uncertain significance. Last evaluated: 2025-07-07. Review status: criteria provided, single submitter. Criteria: LabCorp Variant Classification Summary - May 2015. Collection method: clinical testing. Allele origin: germline.
Comment: Variant summary: PKD1 c.9019T>C (p.Ser3007Pro) results in a non-conservative amino acid change in the encoded protein sequence. Algorithms developed to predict the effect of missense changes on protein structure and function are either unavailable or do not agree on the potential impact of this missense change. The variant was absent in 248444 control chromosomes. c.9019T>C has been observed in two heterozygous individual affected with autosomal dominant Polycystic Kidney Disease 1 (Rossetti_2007). These data indicate that the variant may be associated with disease. To our knowledge, no experimental evidence demonstrating an impact on protein function has been reported. The following publication have been ascertained in the context of this evaluation (PMID: 17582161). No submitters have cited clinical-significance assessments for this variant to ClinVar. Based on the evidence outlined above, the variant was classified as VUS-possibly pathogenic.

Blueprint Genetics
Classification: Uncertain significance. Last evaluated: 2024-03-04. Review status: criteria provided, single submitter. Criteria: ACMG Guidelines, 2015. Collection method: clinical testing. Allele origin: germline.

Literature cited by the submitters: PubMed 17582161 (cited by Women's Health and Genetics/Laboratory Corporation of America, LabCorp).